The following is an entry in ClinVar:

NM_001378452.1(ITPR1):c.2602G>T (p.Val868Leu)

Gene: ITPR1 (inositol 1,4,5-trisphosphate receptor type 1; plus strand). Cytogenetic location: 3p26.1.
Variant type: single nucleotide variant.
Coding change: c.2602G>T on transcript NM_001378452.1 (MANE Select); coding-DNA position 2602, G replaced by T.
Protein change: p.Val868Leu; replaces valine 868 with leucine.
Molecular consequence: missense variant.
Genome position (GRCh38, 1-based): chr3:4,675,071, G>T. VCF-style: chr3-4675071-G-T. GRCh37 (hg19) VCF-style: chr3-4716755-G-T.
Other names: c.2602G>T, p.Val868Leu (NM_001099952.4); c.2557G>T, p.Val853Leu (NM_001168272.2, NM_002222.7); short protein forms V853L, V868L.
Identifiers: ClinVar variation 2812462 (VCV002812462.3), dbSNP rs748645201, ClinGen allele CA2231470.

ClinVar aggregate classification (germline): Uncertain significance (1 of 4 stars; one submission).

Allele frequency attached by ClinVar (database versions not stated): gnomAD exomes below 0.00001; ExAC 0.00001.

Submission:

Labcorp Genetics (formerly Invitae), Labcorp
Classification: Uncertain significance. Last evaluated: 2022-11-06. Review status: criteria provided, single submitter. Criteria: Invitae Variant Classification Sherloc (09022015). Collection method: clinical testing. Allele origin: germline.
Comment: This sequence change replaces valine, which is neutral and non-polar, with leucine, which is neutral and non-polar, at codon 853 of the ITPR1 protein (p.Val853Leu). In summary, the available evidence is currently insufficient to determine the role of this variant in disease. Therefore, it has been classified as a Variant of Uncertain Significance. Advanced modeling of protein sequence and biophysical properties (such as structural, functional, and spatial information, amino acid conservation, physicochemical variation, residue mobility, and thermodynamic stability) has been performed at Invitae for this missense variant, however the output from this modeling did not meet the statistical confidence thresholds required to predict the impact of this variant on ITPR1 protein function. This variant has not been reported in the literature in individuals affected with ITPR1-related conditions. This variant is not present in population databases (gnomAD no frequency).